The following is an entry in ClinVar:

NM_000625.4(NOS2):c.1704+10C>T

Gene: NOS2 (nitric oxide synthase 2; minus strand). Cytogenetic location: 17q11.2.
Variant type: single nucleotide variant.
Coding change: c.1704+10C>T on transcript NM_000625.4 (MANE Select); 10 bases into the intron after coding-DNA position 1704, C replaced by T.
Molecular consequence: intron variant.
Genome position (GRCh38, 1-based): chr17:27,772,298, G>A on the plus strand (C>T on the coding strand, the complement: NOS2 is on the minus strand). VCF-style: chr17-27772298-G-A. GRCh37 (hg19) VCF-style: chr17-26099324-G-A.
Identifiers: ClinVar variation 710108 (VCV000710108.6), dbSNP rs3729720, ClinGen allele CA8454658.

ClinVar aggregate classification (germline): Benign. Review status: criteria provided, single submitter (1 of 4 stars). 2 submissions from 2 submitters: Benign (1). 1 of the submissions does not count toward it. Last evaluated 2019-12-31.

Conditions:
NOS2-related disorder. Also called: NOS2-related condition.

Allele frequency attached by ClinVar (database versions not stated): gnomAD exomes 0.00129 and 0.00337; ExAC 0.00423; gnomAD 0.01384 and 0.01453; ESP Exome Variant Server 0.01469; TOPMed 0.01499; 1000 Genomes Project 0.01717; 1000 Genomes Project 30x 0.01811.
gnomAD v4.1: 4,097 of 1,614,066 alleles (0.25%); highest among the groups gnomAD compares: African/African-American, 4.7%; 85 homozygotes.

Submissions (2):

Labcorp Genetics (formerly Invitae), Labcorp
Classification: Benign. Last evaluated: 2019-12-31. Review status: criteria provided, single submitter. Criteria: Invitae Variant Classification Sherloc (09022015). Collection method: clinical testing. Allele origin: germline.

PreventionGenetics, part of Exact Sciences
Classification: Benign for NOS2-related condition. Last evaluated: 2019-09-17. Review status: no assertion criteria provided. Collection method: clinical testing. Allele origin: germline. Not counted in ClinVar's aggregate classification.
Comment: This variant is classified as benign based on ACMG/AMP sequence variant interpretation guidelines (Richards et al. 2015 PMID: 25741868, with internal and published modifications).